The following is an entry in ClinVar:

ClinVar aggregate classification (germline): Pathogenic (1 of 4 stars; one submission).

Conditions:
Duchenne muscular dystrophy (DMD). Also called: Duchenne Muscular Dystrophy (DMD); MUSCULAR DYSTROPHY, PSEUDOHYPERTROPHIC PROGRESSIVE, DUCHENNE TYPE. Identifiers: Orphanet 98896, MedGen C0013264, MONDO:0010679, OMIM 310200.

Submission:

Labcorp Genetics (formerly Invitae), Labcorp
Classification: Pathogenic for Duchenne muscular dystrophy. Last evaluated: 2023-03-16. Review status: criteria provided, single submitter. Criteria: Invitae Variant Classification Sherloc (09022015). Collection method: clinical testing. Allele origin: germline.
Comment: This variant is a gross deletion of the genomic region encompassing exon(s) 17-21 of the DMD gene. This deletion is out-of-frame, and is expected to create a premature termination codon and result in an absent or disrupted protein product. Loss-of-function variants in DMD are known to be pathogenic (PMID: 16770791, 25007885). For these reasons, this variant has been classified as Pathogenic. A similar copy number variant has been observed in individual(s) with Duchenne muscular dystrophy (PMID: 25972034).

Literature cited by the submitters: PubMed 16770791; PubMed 25007885; PubMed 25972034.

NC_000023.10:g.(?_32503016)_(32563471_?)del

Gene: DMD (dystrophin; minus strand). Cytogenetic location: Xp21.1.
Variant type: Deletion.
Identifiers: ClinVar variation 2424894 (VCV002424894.5).